The following is an entry in ClinVar:

NM_000836.4(GRIN2D):c.1413-3C>T

Gene: GRIN2D (glutamate ionotropic receptor NMDA type subunit 2D; plus strand). Cytogenetic location: 19q13.33.
Variant type: single nucleotide variant.
Coding change: c.1413-3C>T on transcript NM_000836.4 (MANE Select); 3 bases into the intron before coding-DNA position 1413, C replaced by T.
Molecular consequence: intron variant.
Genome position (GRCh38, 1-based): chr19:48,414,861, C>T. VCF-style: chr19-48414861-C-T. GRCh37 (hg19) VCF-style: chr19-48918118-C-T.
Identifiers: ClinVar variation 1355982 (VCV001355982.6), dbSNP rs369157004, ClinGen allele CA9550516.

ClinVar aggregate classification (germline): Uncertain significance (1 of 4 stars; one submission).

Allele frequency attached by ClinVar (database versions not stated): gnomAD exomes below 0.00001; ExAC 0.00001; gnomAD 0.00003 and 0.00004; TOPMed 0.00005; ESP Exome Variant Server 0.00008.

Submission:

Labcorp Genetics (formerly Invitae), Labcorp
Classification: Uncertain significance. Last evaluated: 2024-09-25. Review status: criteria provided, single submitter. Criteria: Invitae Variant Classification Sherloc (09022015). Collection method: clinical testing. Allele origin: germline.
Comment: This sequence change falls in intron 5 of the GRIN2D gene. It does not directly change the encoded amino acid sequence of the GRIN2D protein. It affects a nucleotide within the consensus splice site. This variant is present in population databases (rs369157004, gnomAD 0.01%). This variant has not been reported in the literature in individuals affected with GRIN2D-related conditions. ClinVar contains an entry for this variant (Variation ID: 1355982). Variants that disrupt the consensus splice site are a relatively common cause of aberrant splicing (PMID: 17576681, 9536098). Algorithms developed to predict the effect of sequence changes on RNA splicing suggest that this variant is not likely to affect RNA splicing. In summary, the available evidence is currently insufficient to determine the role of this variant in disease. Therefore, it has been classified as a Variant of Uncertain Significance.

Literature cited by the submitters: PubMed 17576681; PubMed 9536098.